The following is an entry in ClinVar:

NM_001384474.1(LOXHD1):c.2879C>A (p.Ser960Ter)

Gene: LOXHD1 (lipoxygenase homology PLAT domains 1; minus strand). Cytogenetic location: 18q21.1.
Variant type: single nucleotide variant.
Coding change: c.2879C>A on transcript NM_001384474.1 (MANE Select); coding-DNA position 2879, C replaced by A.
Protein change: p.Ser960Ter; replaces serine 960 with a stop codon.
Molecular consequence: nonsense.
Genome position (GRCh38, 1-based): chr18:46,560,265, G>T on the plus strand (C>A on the coding strand, the complement: LOXHD1 is on the minus strand). VCF-style: chr18-46560265-G-T. GRCh37 (hg19) VCF-style: chr18-44140228-G-T.
Other names: c.2879C>A, p.Ser960Ter (NM_144612.7); short protein forms S960*.
Identifiers: ClinVar variation 1075298 (VCV001075298.7), dbSNP rs1290539447, ClinGen allele CA402370751.
Genomic context (GRCh38, chr18:46,560,265, plus strand): 5'-CCAAACTCCTCCTCTTCCTCCTCTTCTTCCATCTCCTCCTCCTCTGACGAGGACTCCTCT[G>T]ATGAGGACGACTCCTCTTCCTCCCCCTCGTCCTCTTCGTCGCTGCCCTTCCTCTTCTTCT-3'

ClinVar aggregate classification (germline): Pathogenic (1 of 4 stars; one submission).

gnomAD v4.1: 1 of 1,551,722 alleles (0.000064%); highest among the groups gnomAD compares: South Asian, 0.0012%; no homozygotes.

Submission:

Labcorp Genetics (formerly Invitae), Labcorp
Classification: Pathogenic. Last evaluated: 2023-08-17. Review status: criteria provided, single submitter. Criteria: Invitae Variant Classification Sherloc (09022015). Collection method: clinical testing. Allele origin: germline.
Comment: For these reasons, this variant has been classified as Pathogenic. ClinVar contains an entry for this variant (Variation ID: 1075298). This variant has not been reported in the literature in individuals affected with LOXHD1-related conditions. This variant is not present in population databases (gnomAD no frequency). This sequence change creates a premature translational stop signal (p.Ser960*) in the LOXHD1 gene. It is expected to result in an absent or disrupted protein product. Loss-of-function variants in LOXHD1 are known to be pathogenic (PMID: 19732867, 21465660, 25792669).

Literature cited by the submitters: PubMed 19732867; PubMed 21465660; PubMed 25792669.